The following is an entry in ClinVar:

ClinVar aggregate classification (germline): Pathogenic/Likely pathogenic. Review status: criteria provided, multiple submitters, no conflicts (2 of 4 stars). 3 submissions from 3 submitters: Pathogenic (1); Likely pathogenic (2). Last evaluated 2025-03-20.

Conditions:
Nemaline myopathy. Also called: Myopathies, Nemaline. Identifiers: Orphanet 607, MedGen C0206157, MONDO:0018958.
Nemaline myopathy 2 (NEM2). Also called: Nemaline myopathy 2, autosomal recessive. Identifiers: MedGen C1850569, MONDO:0009725, OMIM 256030.
Arthrogryposis multiplex congenita 6. Identifiers: MedGen C5543431, MONDO:0030281, OMIM 619334.

Allele frequency attached by ClinVar (database versions not stated): TOPMed below 0.00001; ExAC 0.00001.
gnomAD v4.1: 1 of 1,613,918 alleles (0.000062%); no homozygotes.

Submissions (3):

Broad Center for Mendelian Genomics, Broad Institute of MIT and Harvard
Classification: Likely pathogenic for Nemaline myopathy. Last evaluated: 2025-03-20. Review status: criteria provided, single submitter. Criteria: ACMG Guidelines, 2015. Collection method: curation. Allele origin: germline. Inheritance: Autosomal recessive inheritance.
Comment: The p.Tyr1130Ter variant in NEB has been reported in one individual with nemaline myopathy (PMID: 25205138), and has been identified in 0.002% (1/62490) of remaining chromosomes by the Genome Aggregation Database (gnomAD; dbSNP ID: rs767079113). Although this variant has been seen in the general population in a heterozygous state, its frequency is low enough to be consistent with a recessive carrier frequency. This nonsense variant leads to a premature termination codon at position 1130, which is predicted to lead to a truncated or absent protein. Loss of function of the NEB gene is an established disease mechanism in autosomal recessive nemaline myopathy. In summary, although additional studies are required to fully establish its clinical significance, this variant is likely pathogenic for autosomal recessive nemaline myopathy. ACMG/AMP Criteria applied: PVS1, PM2_supporting (Richards 2015).

Baylor Genetics
Classification: Likely pathogenic for Arthrogryposis multiplex congenita 6. Last evaluated: 2023-08-17. Review status: criteria provided, single submitter. Criteria: ACMG Guidelines, 2015. Collection method: clinical testing. Allele origin: unknown.

Labcorp Genetics (formerly Invitae), Labcorp
Classification: Pathogenic for Nemaline myopathy 2. Last evaluated: 2023-05-22. Review status: criteria provided, single submitter. Criteria: Invitae Variant Classification Sherloc (09022015). Collection method: clinical testing. Allele origin: germline.
Comment: This sequence change creates a premature translational stop signal (p.Tyr1130*) in the NEB gene. It is expected to result in an absent or disrupted protein product. Loss-of-function variants in NEB are known to be pathogenic (PMID: 25205138). This variant is present in population databases (rs767079113, gnomAD 0.0009%). This premature translational stop signal has been observed in individual(s) with nemaline myopathy (PMID: 25205138). For these reasons, this variant has been classified as Pathogenic.

Literature cited by the submitters: PubMed 25205138 (cited by Labcorp Genetics (formerly Invitae), Labcorp).

NM_001164508.2(NEB):c.3390T>G (p.Tyr1130Ter)

Gene: NEB (nebulin; minus strand). Cytogenetic location: 2q23.3.
Variant type: single nucleotide variant.
Coding change: c.3390T>G on transcript NM_001164508.2 (MANE Select); coding-DNA position 3390, T replaced by G.
Protein change: p.Tyr1130Ter; replaces tyrosine 1130 with a stop codon.
Molecular consequence: nonsense.
Genome position (GRCh38, 1-based): chr2:151,678,053, A>C on the plus strand (T>G on the coding strand, the complement: NEB is on the minus strand). VCF-style: chr2-151678053-A-C. GRCh37 (hg19) VCF-style: chr2-152534567-A-C.
Other names: NM_001164508.2:c.3390T>G; c.3390T>G, p.Tyr1130Ter (NM_001164507.2, NM_001271208.2, NM_004543.5); short protein forms Y1130*.
Identifiers: ClinVar variation 2677057 (VCV002677057.5), dbSNP rs767079113, ClinGen allele CA1910918.